The following is an entry in ClinVar:

NM_032273.4(TMEM126A):c.280+203T>C

Gene: TMEM126A (transmembrane protein 126A; plus strand). Cytogenetic location: 11q14.1.
Variant type: single nucleotide variant.
Coding change: c.280+203T>C on transcript NM_032273.4 (MANE Select); 203 bases into the intron after coding-DNA position 280, T replaced by C.
Molecular consequence: intron variant.
Genome position (GRCh38, 1-based): chr11:85,654,459, T>C. VCF-style: chr11-85654459-T-C. GRCh37 (hg19) VCF-style: chr11-85365503-T-C.
Other names: c.70+203T>C (NM_001244735.2).
Identifiers: ClinVar variation 673313 (VCV000673313.1), dbSNP rs75353865, ClinGen allele CA225303039.

ClinVar aggregate classification (germline): Benign (1 of 4 stars; one submission).

Allele frequency attached by ClinVar (database versions not stated): 1000 Genomes Project 0.02756; 1000 Genomes Project 30x 0.02951; gnomAD 0.04599 and 0.04771; TOPMed 0.04860.
gnomAD v4.1: 7,047 of 152,296 alleles (4.6%); highest among the groups gnomAD compares: Middle Eastern, 13%; 186 homozygotes.

Submission:

GeneDx
Classification: Benign. Last evaluated: 2018-06-14. Review status: criteria provided, single submitter. Criteria: GeneDx Variant Classification (06012015). Collection method: clinical testing. Allele origin: germline. Affected: yes.
Comment: This variant is considered likely benign or benign based on one or more of the following criteria: it is a conservative change, it occurs at a poorly conserved position in the protein, it is predicted to be benign by multiple in silico algorithms, and/or has population frequency not consistent with disease.